The following is an entry in ClinVar:

ClinVar aggregate classification (germline): Conflicting classifications of pathogenicity. Review status: criteria provided, conflicting classifications (1 of 4 stars). 3 submissions from 3 submitters: Uncertain significance (2); Likely benign (1). Last evaluated 2026-04-30.

Conditions:
Cardiovascular phenotype. Identifiers: MedGen CN230736.
TRPM4-related disorder. Also called: TRPM4-related disorders; TRPM4-related condition. Identifiers: MedGen CN239424.
Progressive familial heart block type IB (PFHB1B). Identifiers: Orphanet 871, MedGen C1970298, MONDO:0011474, OMIM 604559.

Allele frequency attached by ClinVar (database versions not stated): gnomAD exomes below 0.00001; TOPMed below 0.00001.

Submissions (3):

Ambry Genetics
Classification: Likely benign for Cardiovascular phenotype. Last evaluated: 2026-04-30. Review status: criteria provided, single submitter. Criteria: Ambry Variant Classification Scheme 2023. Collection method: clinical testing. Allele origin: germline.

PreventionGenetics, part of Exact Sciences
Classification: Uncertain significance for TRPM4-related condition. Last evaluated: 2026-04-02. Review status: criteria provided, single submitter. Criteria: ACMG Guidelines, 2015. Collection method: clinical testing. Allele origin: germline.
Comment: The TRPM4 c.542C>T variant is predicted to result in the amino acid substitution p.Thr181Ile. To our knowledge, this variant has not been reported in the literature or in a large population database (gnomAD), indicating this variant is rare. At this time, the clinical significance of this variant is uncertain due to the absence of conclusive functional and genetic evidence.

Labcorp Genetics (formerly Invitae), Labcorp
Classification: Uncertain significance for Progressive familial heart block type IB. Last evaluated: 2025-10-29. Review status: criteria provided, single submitter. Criteria: Invitae Variant Classification Sherloc (09022015). Collection method: clinical testing. Allele origin: germline.
Comment: This sequence change replaces threonine, which is neutral and polar, with isoleucine, which is neutral and non-polar, at codon 181 of the TRPM4 protein (p.Thr181Ile). This variant is not present in population databases (gnomAD no frequency). This variant has not been reported in the literature in individuals affected with TRPM4-related conditions. ClinVar contains an entry for this variant (Variation ID: 2192233). An algorithm developed to predict the effect of missense changes on protein structure and function (PolyPhen-2) suggests that this variant is likely to be tolerated. In summary, the available evidence is currently insufficient to determine the role of this variant in disease. Therefore, it has been classified as a Variant of Uncertain Significance.

NM_017636.4(TRPM4):c.542C>T (p.Thr181Ile)

Gene: TRPM4 (transient receptor potential cation channel subfamily M member 4; plus strand). Cytogenetic location: 19q13.33.
Variant type: single nucleotide variant.
Coding change: c.542C>T on transcript NM_017636.4 (MANE Select); coding-DNA position 542, C replaced by T.
Protein change: p.Thr181Ile; replaces threonine 181 with isoleucine.
Molecular consequence: missense variant. On other transcripts: 5 prime UTR variant (1), intron variant (2).
Genome position (GRCh38, 1-based): chr19:49,168,353, C>T. VCF-style: chr19-49168353-C-T. GRCh37 (hg19) VCF-style: chr19-49671610-C-T.
Other names: c.542C>T (NM_017636.3); c.542C>T, p.Thr181Ile (NM_001195227.2); c.-1012C>T (NM_001321282.2); c.20C>T, p.Thr7Ile (NM_001321283.2); c.268-200C>T (NM_001321281.2); c.-237-200C>T (NM_001321285.2); short protein forms T7I, T181I.
Identifiers: ClinVar variation 2192233 (VCV002192233.8), dbSNP rs977530165, ClinGen allele CA309431257.